The following is an entry in ClinVar:

NM_000439.5(PCSK1):c.2143G>A (p.Asp715Asn)

Genes: CAST (calpastatin; plus strand), PCSK1 (proprotein convertase subtilisin/kexin type 1; minus strand), LOC101929710 (uncharacterized LOC101929710; plus strand). Cytogenetic location: 5q15.
Variant type: single nucleotide variant.
Coding change: c.2143G>A on transcript NM_000439.5 (MANE Select); coding-DNA position 2143, G replaced by A.
Protein change: p.Asp715Asn; replaces aspartic acid 715 with asparagine.
Molecular consequence: missense variant. On other transcripts: intron variant (11).
Genome position (GRCh38, 1-based): chr5:96,393,120, C>T on the plus strand (G>A on the coding strand, the complement: PCSK1 is on the minus strand). VCF-style: chr5-96393120-C-T. GRCh37 (hg19) VCF-style: chr5-95728824-C-T.
Other names: c.2002G>A, p.Asp668Asn (NM_001177875.2); c.-175+13468C>T (NM_001423254.1, NM_001423259.1, NM_001423255.1 and 6 more transcripts); c.-103+13468C>T (NM_001423253.1); c.-40+13468C>T (NM_001423258.1); short protein forms D668N, D715N.
Identifiers: ClinVar variation 4995059 (VCV004995059.1).

ClinVar aggregate classification (germline): Uncertain significance (1 of 4 stars; one submission).

Conditions:
PCSK1-related disorder. Also called: PCSK1-related condition.

Submission:

PreventionGenetics, part of Exact Sciences
Classification: Uncertain significance for PCSK1-related condition. Last evaluated: 2025-10-30. Review status: criteria provided, single submitter. Criteria: ACMG Guidelines, 2015. Collection method: clinical testing. Allele origin: germline.
Comment: The PCSK1 c.2143G>A variant is predicted to result in the amino acid substitution p.Asp715Asn. To our knowledge, this variant has not been reported in the literature or in a large population database (gnomAD), indicating this variant is rare. At this time, the clinical significance of this variant is uncertain due to the absence of conclusive functional and genetic evidence.